The following is an entry in ClinVar:

NM_001369.3(DNAH5):c.7874del (p.Pro2625fs)

Gene: DNAH5 (dynein axonemal heavy chain 5; minus strand). Cytogenetic location: 5p15.2.
Variant type: Deletion.
Coding change: c.7874del on transcript NM_001369.3 (MANE Select); coding-DNA position 7874, one base deleted (C; older notation c.7874delC).
Protein change: p.Pro2625fs; shifts the reading frame from proline 2625.
Molecular consequence: frameshift variant.
Genome position (GRCh38, 1-based): chr5:13,807,604, G deleted on the plus strand (C on the coding strand, the reverse complement: DNAH5 is on the minus strand); the first of 4 consecutive G bases (chr5:13,807,604-13,807,607); deleting any one gives the same sequence. VCF-style (leftmost placement, unchanged base first): chr5-13807603-TG-T. GRCh37 (hg19) VCF-style: chr5-13807712-TG-T.
Other names: short protein forms P2625fs.
Identifiers: ClinVar variation 3722031 (VCV003722031.2).

ClinVar aggregate classification (germline): Pathogenic (1 of 4 stars; one submission).

Conditions:
Primary ciliary dyskinesia. Also called: Ciliary dyskinesia. Identifiers: Orphanet 244, MedGen C0008780, MONDO:0016575, HP:0012265.

Submission:

Labcorp Genetics (formerly Invitae), Labcorp
Classification: Pathogenic for Primary ciliary dyskinesia. Last evaluated: 2024-10-02. Review status: criteria provided, single submitter. Criteria: Invitae Variant Classification Sherloc (09022015). Collection method: clinical testing. Allele origin: germline.
Comment: This sequence change creates a premature translational stop signal (p.Pro2625Hisfs*2) in the DNAH5 gene. It is expected to result in an absent or disrupted protein product. Loss-of-function variants in DNAH5 are known to be pathogenic (PMID: 11788826, 16627867). This variant is not present in population databases (gnomAD no frequency). This variant has not been reported in the literature in individuals affected with DNAH5-related conditions. For these reasons, this variant has been classified as Pathogenic.

Literature cited by the submitters: PubMed 11788826; PubMed 16627867.